The following is an entry in ClinVar:

ClinVar aggregate classification (germline): Uncertain significance. Review status: criteria provided, single submitter (1 of 4 stars). 2 submissions from 2 submitters: Uncertain significance (1). 1 of the submissions does not count toward it. Last evaluated 2024-09-24.

Allele frequency attached by ClinVar (database versions not stated): TOPMed 0.00001.
gnomAD v4.1: 4 of 1,613,582 alleles (0.00025%); highest among the groups gnomAD compares: Admixed American, 0.0067%; no homozygotes.

Submissions (2):

Labcorp Genetics (formerly Invitae), Labcorp
Classification: Uncertain significance. Last evaluated: 2024-09-24. Review status: criteria provided, single submitter. Criteria: Invitae Variant Classification Sherloc (09022015). Collection method: clinical testing. Allele origin: germline.
Comment: This sequence change replaces arginine, which is basic and polar, with leucine, which is neutral and non-polar, at codon 1230 of the ERBB2 protein (p.Arg1230Leu). This variant is present in population databases (rs372043866, gnomAD 0.006%). This variant has not been reported in the literature in individuals affected with ERBB2-related conditions. ClinVar contains an entry for this variant (Variation ID: 134086). An algorithm developed to predict the effect of missense changes on protein structure and function (PolyPhen-2) suggests that this variant is likely to be tolerated. In summary, the available evidence is currently insufficient to determine the role of this variant in disease. Therefore, it has been classified as a Variant of Uncertain Significance.

ITMI
No classification provided. Condition: AllHighlyPenetrant. Last evaluated: 2013-09-19. Review status: no classification provided. Collection method: reference population. Allele origin: germline. Not counted in ClinVar's aggregate classification.
Comment: Please see associated publication for description of ethnicities

Literature cited by the submitters: PubMed 24728327 (cited by ITMI).

NM_004448.4(ERBB2):c.3689G>T (p.Arg1230Leu)

Gene: ERBB2 (erb-b2 receptor tyrosine kinase 2; plus strand). Cytogenetic location: 17q12.
Variant type: single nucleotide variant.
Coding change: c.3689G>T on transcript NM_004448.4 (MANE Select); coding-DNA position 3689, G replaced by T.
Protein change: p.Arg1230Leu; replaces arginine 1230 with leucine.
Molecular consequence: missense variant. On other transcripts: 3 prime UTR variant (2), non-coding transcript variant (1).
Genome position (GRCh38, 1-based): chr17:39,727,965, G>T. VCF-style: chr17-39727965-G-T. GRCh37 (hg19) VCF-style: chr17-37884218-G-T.
Other names: c.3599G>T, p.Arg1200Leu (NM_001005862.3, NM_001382782.1, NM_001382783.1); c.3644G>T, p.Arg1215Leu (NM_001289936.2); c.*268G>T (NM_001289937.2, NM_001382803.1); c.3806G>T, p.Arg1269Leu (NM_001382784.1); c.3791G>T, p.Arg1264Leu (NM_001382785.1); c.3770G>T, p.Arg1257Leu (NM_001382786.1); c.3764G>T, p.Arg1255Leu (NM_001382787.1); c.3719G>T, p.Arg1240Leu (NM_001382788.1); and 16 more; short protein forms R1200L, R1230L, R1215L, R1144L, R1162L, R1168L, R1170L, R1178L.
Identifiers: ClinVar variation 134086 (VCV000134086.8), dbSNP rs372043866, ClinGen allele CA158691.